The following is an entry in ClinVar:

ClinVar aggregate classification (germline): Uncertain significance (1 of 4 stars; one submission).

Allele frequency attached by ClinVar (database versions not stated): TOPMed below 0.00001; gnomAD 0.00005; ExAC 0.00006.
gnomAD v4.1: 56 of 1,613,706 alleles (0.0035%); highest among the groups gnomAD compares: South Asian, 0.036%; no homozygotes.

Submission:

Labcorp Genetics (formerly Invitae), Labcorp
Classification: Uncertain significance. Last evaluated: 2023-11-19. Review status: criteria provided, single submitter. Criteria: Invitae Variant Classification Sherloc (09022015). Collection method: clinical testing. Allele origin: germline.
Comment: This sequence change replaces arginine, which is basic and polar, with tryptophan, which is neutral and slightly polar, at codon 278 of the MFSD2A protein (p.Arg278Trp). This variant is present in population databases (rs751477861, gnomAD 0.03%). This variant has not been reported in the literature in individuals affected with MFSD2A-related conditions. Advanced modeling of protein sequence and biophysical properties (such as structural, functional, and spatial information, amino acid conservation, physicochemical variation, residue mobility, and thermodynamic stability) performed at Invitae indicates that this missense variant is not expected to disrupt MFSD2A protein function with a negative predictive value of 80%. In summary, the available evidence is currently insufficient to determine the role of this variant in disease. Therefore, it has been classified as a Variant of Uncertain Significance.

NM_032793.5(MFSD2A):c.793C>T (p.Arg265Trp)

Gene: MFSD2A (MFSD2 lysolipid transporter A, lysophospholipid; plus strand). Cytogenetic location: 1p34.2.
Variant type: single nucleotide variant.
Coding change: c.793C>T on transcript NM_032793.5 (MANE Select); coding-DNA position 793, C replaced by T.
Protein change: p.Arg265Trp; replaces arginine 265 with tryptophan.
Molecular consequence: missense variant. On other transcripts: non-coding transcript variant (1).
Genome position (GRCh38, 1-based): chr1:39,966,679, C>T. VCF-style: chr1-39966679-C-T. GRCh37 (hg19) VCF-style: chr1-40432351-C-T.
Other names: c.832C>T, p.Arg278Trp (NM_001136493.3); c.325C>T, p.Arg109Trp (NM_001287808.2); c.676C>T, p.Arg226Trp (NM_001287809.2); c.787C>T, p.Arg263Trp (NM_001349821.2); c.793C>T, p.Arg265Trp (NM_001349822.2); c.448C>T, p.Arg150Trp (NM_001349823.2); short protein forms R265W, R226W, R278W, R109W, R150W, R263W.
Identifiers: ClinVar variation 2883958 (VCV002883958.3), dbSNP rs751477861, ClinGen allele CA788778.